The following is an entry in ClinVar:

NM_000102.4(CYP17A1):c.41_44del (p.Tyr14fs)

Gene: CYP17A1 (cytochrome P450 family 17 subfamily A member 1; minus strand). Cytogenetic location: 10q24.32.
Variant type: Deletion.
Coding change: c.41_44del on transcript NM_000102.4 (MANE Select); coding-DNA positions 41 to 44, 4 bases deleted (ATTT; older notation c.41_44delATTT).
Protein change: p.Tyr14fs; shifts the reading frame from tyrosine 14.
Molecular consequence: frameshift variant.
Genome position (GRCh38, 1-based): chr10:102,837,318-102,837,321, AAAT deleted on the plus strand (ATTT on the coding strand, the reverse complement: CYP17A1 is on the minus strand); deleting any 4 consecutive bases within chr10:102,837,318-102,837,323 gives the same sequence; the c. name uses the placement nearest the transcript's 3' end. VCF-style (leftmost placement, unchanged base first): chr10-102837317-CAAAT-C. GRCh37 (hg19) VCF-style: chr10-104597074-CAAAT-C.
Other names: short protein forms Y14fs.
Identifiers: ClinVar variation 1453390 (VCV001453390.6), dbSNP rs2134085666, ClinGen allele CA2573145431.

ClinVar aggregate classification (germline): Pathogenic (1 of 4 stars; one submission).

Submission:

Labcorp Genetics (formerly Invitae), Labcorp
Classification: Pathogenic. Last evaluated: 2021-05-29. Review status: criteria provided, single submitter. Criteria: Invitae Variant Classification Sherloc (09022015). Collection method: clinical testing. Allele origin: germline.
Comment: This variant is not present in population databases (ExAC no frequency). This sequence change creates a premature translational stop signal (p.Tyr14Cysfs*60) in the CYP17A1 gene. It is expected to result in an absent or disrupted protein product. Loss-of-function variants in CYP17A1 are known to be pathogenic (PMID: 17192295, 20197673, 24140098). This variant has not been reported in the literature in individuals with CYP17A1-related conditions. For these reasons, this variant has been classified as Pathogenic.

Literature cited by the submitters: PubMed 17192295; PubMed 20197673; PubMed 24140098.